The following is an entry in ClinVar:

ClinVar aggregate classification (germline): Likely pathogenic. Review status: criteria provided, single submitter (1 of 4 stars). 2 submissions from 2 submitters: Likely pathogenic (1). 1 of the submissions does not count toward it. Last evaluated 2019-07-19.

Conditions:
Inborn mitochondrial myopathy. Also called: Mitochondrial myopathy; Mitochondrial Myopathies. Identifiers: Orphanet 206966, MedGen C0162670, MONDO:0009637, HP:0003737.

gnomAD v4.1: 1 of 1,614,002 alleles (0.000062%); no homozygotes.

Submissions (2):

SIB Swiss Institute of Bioinformatics
Classification: Likely pathogenic for Mitochondrial myopathy, episodic, with optic atrophy and reversible leukoencephalopathy. Last evaluated: 2019-07-19. Review status: criteria provided, single submitter. Criteria: ACMG Guidelines, 2015. Collection method: curation. Allele origin: unknown.
Comment: This variant is interpreted as Likely pathogenic for Mitochondrial myopathy, episodic, with optic atrophy and reversible leukoencephalopathy, autosomal recessive. The following ACMG Tag(s) were applied: PM2, PS3-Moderate, PP1-Strong.

OMIM
Classification: Pathogenic for MITOCHONDRIAL MYOPATHY, EPISODIC, WITH OPTIC ATROPHY AND REVERSIBLE LEUKOENCEPHALOPATHY. Last evaluated: 2019-03-25. Review status: no assertion criteria provided. Collection method: literature only. Allele origin: germline. Not counted in ClinVar's aggregate classification.

Literature cited by the submitters: PubMed 30010796 (cited by SIB Swiss Institute of Bioinformatics and OMIM).

NM_001397406.1(FDX2):c.422C>T (p.Pro141Leu)

Genes: FDX2-ZGLP1 (FDX2-ZGLP1 readthrough (NMD candidate); minus strand), FDX2 (ferredoxin 2; minus strand). Cytogenetic location: 19p13.2.
Variant type: single nucleotide variant.
Coding change: c.422C>T on transcript NM_001397406.1 (MANE Select); coding-DNA position 422, C replaced by T.
Protein change: p.Pro141Leu; replaces proline 141 with leucine.
Molecular consequence: missense variant.
Genome position (GRCh38, 1-based): chr19:10,310,616, G>A on the plus strand (C>T on the coding strand, the complement: FDX2 is on the minus strand). VCF-style: chr19-10310616-G-A. GRCh37 (hg19) VCF-style: chr19-10421292-G-A.
Other names: c.431C>T, p.Pro144Leu (NM_001031734.4); short protein forms P144L, P141L.
Identifiers: ClinVar variation 623644 (VCV000623644.4), dbSNP rs888630930, ClinGen allele CA305204061.